The following is an entry in ClinVar:

ClinVar aggregate classification (germline): Uncertain significance (1 of 4 stars; one submission).

Allele frequency attached by ClinVar (database versions not stated): gnomAD exomes below 0.00001; ExAC 0.00001; gnomAD 0.00002; TOPMed 0.00002; ESP Exome Variant Server 0.00008.
gnomAD v4.1: 4 of 1,613,896 alleles (0.00025%); highest among the groups gnomAD compares: African/African-American, 0.0053%; no homozygotes.

Submission:

Labcorp Genetics (formerly Invitae), Labcorp
Classification: Uncertain significance. Last evaluated: 2023-09-01. Review status: criteria provided, single submitter. Criteria: Invitae Variant Classification Sherloc (09022015). Collection method: clinical testing. Allele origin: germline.
Comment: In summary, the available evidence is currently insufficient to determine the role of this variant in disease. Therefore, it has been classified as a Variant of Uncertain Significance. Advanced modeling of protein sequence and biophysical properties (such as structural, functional, and spatial information, amino acid conservation, physicochemical variation, residue mobility, and thermodynamic stability) performed at Invitae indicates that this missense variant is not expected to disrupt DUOX2 protein function. This variant has not been reported in the literature in individuals affected with DUOX2-related conditions. This variant is present in population databases (rs145561119, gnomAD 0.008%). This sequence change replaces proline, which is neutral and non-polar, with leucine, which is neutral and non-polar, at codon 791 of the DUOX2 protein (p.Pro791Leu).

NM_001363711.2(DUOX2):c.2372C>T (p.Pro791Leu)

Gene: DUOX2 (dual oxidase 2; minus strand). Cytogenetic location: 15q21.1.
Variant type: single nucleotide variant.
Coding change: c.2372C>T on transcript NM_001363711.2 (MANE Select); coding-DNA position 2372, C replaced by T.
Protein change: p.Pro791Leu; replaces proline 791 with leucine.
Molecular consequence: missense variant.
Genome position (GRCh38, 1-based): chr15:45,104,328, G>A on the plus strand (C>T on the coding strand, the complement: DUOX2 is on the minus strand). VCF-style: chr15-45104328-G-A. GRCh37 (hg19) VCF-style: chr15-45396526-G-A.
Other names: c.2372C>T, p.Pro791Leu (NM_014080.5); short protein forms P791L.
Identifiers: ClinVar variation 2778166 (VCV002778166.3), dbSNP rs145561119, ClinGen allele CA7538267.